The following is an entry in ClinVar:

ClinVar aggregate classification (germline): Uncertain significance (1 of 4 stars; one submission).

Conditions:
Inborn genetic diseases. Identifiers: MedGen C0950123, MeSH D030342.

gnomAD v4.1: 1 of 1,614,142 alleles (0.000062%); highest among the groups gnomAD compares: Non-Finnish European, 0.000085%; no homozygotes.

Submission:

Ambry Genetics
Classification: Uncertain significance for Inborn genetic diseases. Last evaluated: 2025-02-16. Review status: criteria provided, single submitter. Criteria: Ambry Variant Classification Scheme 2023. Collection method: clinical testing. Allele origin: germline.
Comment: The p.L406V variant (also known as c.1216C>G), located in coding exon 13 of the FANCA gene, results from a C to G substitution at nucleotide position 1216. The leucine at codon 406 is replaced by valine, an amino acid with highly similar properties. This amino acid position is conserved. In addition, the in silico prediction for this alteration is inconclusive. Based on the available evidence, the clinical significance of this variant remains unclear.

NM_000135.4(FANCA):c.1216C>G (p.Leu406Val)

Gene: FANCA (FA complementation group A; minus strand). Cytogenetic location: 16q24.3.
Variant type: single nucleotide variant.
Coding change: c.1216C>G on transcript NM_000135.4 (MANE Select); coding-DNA position 1216, C replaced by G.
Protein change: p.Leu406Val; replaces leucine 406 with valine.
Molecular consequence: missense variant.
Genome position (GRCh38, 1-based): chr16:89,791,936, G>C on the plus strand (C>G on the coding strand, the complement: FANCA is on the minus strand). VCF-style: chr16-89791936-G-C. GRCh37 (hg19) VCF-style: chr16-89858344-G-C.
Other names: c.1216C>G, p.Leu406Val (NM_001286167.3); short protein forms L406V.
Identifiers: ClinVar variation 3848244 (VCV003848244.1).